The following is an entry in ClinVar:

NM_018136.5(ASPM):c.7324C>G (p.Arg2442Gly)

Gene: ASPM (assembly factor for spindle microtubules; minus strand). Cytogenetic location: 1q31.3.
Variant type: single nucleotide variant.
Coding change: c.7324C>G on transcript NM_018136.5 (MANE Select); coding-DNA position 7324, C replaced by G.
Protein change: p.Arg2442Gly; replaces arginine 2442 with glycine.
Molecular consequence: missense variant. On other transcripts: intron variant (1).
Genome position (GRCh38, 1-based): chr1:197,101,927, G>C on the plus strand (C>G on the coding strand, the complement: ASPM is on the minus strand). VCF-style: chr1-197101927-G-C. GRCh37 (hg19) VCF-style: chr1-197071057-G-C.
Other names: c.4066-5763C>G (NM_001206846.2); short protein forms R2442G.
Identifiers: ClinVar variation 2190346 (VCV002190346.3), dbSNP rs769364943, ClinGen allele CA344019401.
Genomic context (GRCh38, chr1:197,101,927, plus strand): 5'-TGGCTGCCTTTCTTAAGTGCAAGAATTGGTACAATTTATGTTTGGCACAAATGGTGGCTC[G>C]ATATTTCCTCTGAACAAAAATAGTAGCTTTTTTGAGGGAAATGAATCTTCTCCTCACCAG-3'
Protein context (NP_060606.3, residues 2432-2452): KATIFVQRKY[Arg2442Gly]ATICAKHKLY

ClinVar aggregate classification (germline): Uncertain significance (1 of 4 stars; one submission).

Submission:

Labcorp Genetics (formerly Invitae), Labcorp
Classification: Uncertain significance. Last evaluated: 2024-10-21. Review status: criteria provided, single submitter. Criteria: Invitae Variant Classification Sherloc (09022015). Collection method: clinical testing. Allele origin: germline.
Comment: This sequence change replaces arginine, which is basic and polar, with glycine, which is neutral and non-polar, at codon 2442 of the ASPM protein (p.Arg2442Gly). This variant is not present in population databases (gnomAD no frequency). This variant has not been reported in the literature in individuals affected with ASPM-related conditions. ClinVar contains an entry for this variant (Variation ID: 2190346). Invitae Evidence Modeling of protein sequence and biophysical properties (such as structural, functional, and spatial information, amino acid conservation, physicochemical variation, residue mobility, and thermodynamic stability) indicates that this missense variant is not expected to disrupt ASPM protein function with a negative predictive value of 80%. In summary, the available evidence is currently insufficient to determine the role of this variant in disease. Therefore, it has been classified as a Variant of Uncertain Significance.